The following is an entry in ClinVar:

ClinVar aggregate classification (germline): Uncertain significance (1 of 4 stars; one submission).

Conditions:
CADPS-related disorder. Also called: CADPS-related condition.

Submission:

PreventionGenetics, part of Exact Sciences
Classification: Uncertain significance for CADPS-related condition. Last evaluated: 2023-04-26. Review status: criteria provided, single submitter. Criteria: ACMG Guidelines, 2015. Collection method: clinical testing. Allele origin: germline.
Comment: The CADPS c.3593G>T variant is predicted to result in the amino acid substitution p.Arg1198Ile. To our knowledge, this variant has not been reported in the literature or in a large population database, indicating this variant is rare. At this time, the clinical significance of this variant is uncertain due to the absence of conclusive functional and genetic evidence.

NM_003716.4(CADPS):c.3593G>T (p.Arg1198Ile)

Gene: CADPS (calcium dependent secretion activator; minus strand). Cytogenetic location: 3p14.2.
Variant type: single nucleotide variant.
Coding change: c.3593G>T on transcript NM_003716.4 (MANE Select); coding-DNA position 3593, G replaced by T.
Protein change: p.Arg1198Ile; replaces arginine 1198 with isoleucine.
Molecular consequence: missense variant.
Genome position (GRCh38, 1-based): chr3:62,465,410, C>A on the plus strand (G>T on the coding strand, the complement: CADPS is on the minus strand). VCF-style: chr3-62465410-C-A. GRCh37 (hg19) VCF-style: chr3-62451085-C-A.
Other names: c.3356G>T, p.Arg1119Ile (NM_183393.3); c.3476G>T, p.Arg1159Ile (NM_183394.3); short protein forms R1119I, R1159I, R1198I.
Identifiers: ClinVar variation 2633309 (VCV002633309.1), dbSNP rs1158576022, ClinGen allele CA353015481.